The following is an entry in ClinVar:

ClinVar aggregate classification (germline): Conflicting classifications of pathogenicity. Review status: criteria provided, conflicting classifications (1 of 4 stars). 3 submissions from 3 submitters: Uncertain significance (1); Likely benign (1). 1 of the submissions does not count toward it. Last evaluated 2023-08-17.

Conditions:
GLIS3-related disorder. Also called: GLIS3-related condition.
Neonatal diabetes mellitus with congenital hypothyroidism. Also called: NDH SYNDROME. Identifiers: Orphanet 79118, MedGen C1857775, MONDO:0012436, OMIM 610199.

Allele frequency attached by ClinVar (database versions not stated): TOPMed 0.00006; ExAC 0.00007; gnomAD exomes 0.00009; ESP Exome Variant Server 0.00015.
gnomAD v4.1: 115 of 1,614,102 alleles (0.0071%); highest among the groups gnomAD compares: Middle Eastern, 0.016%; no homozygotes.

Submissions (3):

Labcorp Genetics (formerly Invitae), Labcorp
Classification: Likely benign. Last evaluated: 2023-08-17. Review status: criteria provided, single submitter. Criteria: Invitae Variant Classification Sherloc (09022015). Collection method: clinical testing. Allele origin: germline.

Illumina Laboratory Services, Illumina
Classification: Uncertain significance for Neonatal diabetes mellitus with congenital hypothyroidism. Last evaluated: 2018-01-12. Review status: criteria provided, single submitter. Criteria: ICSL Variant Classification Criteria 13 December 2019. Collection method: clinical testing. Allele origin: germline.

PreventionGenetics, part of Exact Sciences
Classification: Likely benign for GLIS3-related condition. Last evaluated: 2019-05-13. Review status: no assertion criteria provided. Collection method: clinical testing. Allele origin: germline. Not counted in ClinVar's aggregate classification.
Comment: This variant is classified as likely benign based on ACMG/AMP sequence variant interpretation guidelines (Richards et al. 2015 PMID: 25741868, with internal and published modifications).

NM_001042413.2(GLIS3):c.2538G>A (p.Pro846=)

Gene: GLIS3 (GLIS family zinc finger 3; minus strand). Cytogenetic location: 9p24.2.
Variant type: single nucleotide variant.
Coding change: c.2538G>A on transcript NM_001042413.2 (MANE Select); coding-DNA position 2538, G replaced by A.
Protein change: p.Pro846=; no amino-acid change (proline 846 retained).
Molecular consequence: synonymous variant.
Genome position (GRCh38, 1-based): chr9:3,829,428, C>T on the plus strand (G>A on the coding strand, the complement: GLIS3 is on the minus strand). VCF-style: chr9-3829428-C-T. GRCh37 (hg19) VCF-style: chr9-3829428-C-T.
Other names: c.2073G>A, p.Pro691= (NM_152629.4).
Identifiers: ClinVar variation 914327 (VCV000914327.9), dbSNP rs144648063, ClinGen allele CA4967727.